The following is an entry in ClinVar:

NM_006030.4(CACNA2D2):c.2570A>G (p.His857Arg)

Genes: CACNA2D2 (calcium voltage-gated channel auxiliary subunit alpha2delta 2; minus strand), LOC101928965 (uncharacterized LOC101928965; plus strand), LOC127898564 (CYB561D2-LOC101928965; plus strand). Cytogenetic location: 3p21.31.
Variant type: single nucleotide variant.
Coding change: c.2570A>G on transcript NM_006030.4 (MANE Select); coding-DNA position 2570, A replaced by G.
Protein change: p.His857Arg; replaces histidine 857 with arginine.
Molecular consequence: missense variant.
Genome position (GRCh38, 1-based): chr3:50,366,850, T>C on the plus strand (A>G on the coding strand, the complement: CACNA2D2 is on the minus strand). VCF-style: chr3-50366850-T-C. GRCh37 (hg19) VCF-style: chr3-50404281-T-C.
Other names: c.2570A>G, p.His857Arg (NM_001005505.3); c.2591A>G, p.His864Arg (NM_001174051.3); c.2363A>G, p.His788Arg (NM_001291101.1); short protein forms H864R, H857R, H788R.
Identifiers: ClinVar variation 1374158 (VCV001374158.9), dbSNP rs745491986, ClinGen allele CA2418448.
Genomic context (GRCh38, chr3:50,366,850, plus strand): 5'-AGGGCACTGCTGGGTTACTGCCCCCGCCCCTGCCCAAATACCTTCTGAGGCTGGTCTTGG[T>C]GGGTACGGTTGCTGGCTAGCACCTTGAACTTCTCAGCCCAAGCCTCTAGGTCCAGCTTGA-3'
Protein context (NP_006021.2, residues 847-867): KFKVLASNRT[His857Arg]QDQPQKCGPN

ClinVar aggregate classification (germline): Uncertain significance (1 of 4 stars; one submission).

Conditions:
Early-infantile DEE. Also called: Early infantile epileptic encephalopathy with suppression bursts; Early infantile epileptic encephalopathy; Ohtahara syndrome. Identifiers: Orphanet 1934, MedGen C0393706, MONDO:0800491.

Allele frequency attached by ClinVar (database versions not stated): gnomAD exomes below 0.00001 and 0.00002; ExAC 0.00002; TOPMed 0.00003.
gnomAD v4.1: 6 of 1,613,470 alleles (0.00037%); highest among the groups gnomAD compares: Middle Eastern, 0.016%; no homozygotes.

Submission:

Labcorp Genetics (formerly Invitae), Labcorp
Classification: Uncertain significance for Early-infantile DEE. Last evaluated: 2024-01-15. Review status: criteria provided, single submitter. Criteria: Invitae Variant Classification Sherloc (09022015). Collection method: clinical testing. Allele origin: germline.
Comment: This sequence change replaces histidine, which is basic and polar, with arginine, which is basic and polar, at codon 857 of the CACNA2D2 protein (p.His857Arg). This variant is present in population databases (rs745491986, gnomAD 0.02%). This variant has not been reported in the literature in individuals affected with CACNA2D2-related conditions. ClinVar contains an entry for this variant (Variation ID: 1374158). An algorithm developed to predict the effect of missense changes on protein structure and function (PolyPhen-2) suggests that this variant is likely to be tolerated. In summary, the available evidence is currently insufficient to determine the role of this variant in disease. Therefore, it has been classified as a Variant of Uncertain Significance.